The following is an entry in ClinVar:

NM_001080467.3(MYO5B):c.2229C>T (p.Arg743=)

Gene: MYO5B (myosin VB; minus strand). Cytogenetic location: 18q21.1.
Variant type: single nucleotide variant.
Coding change: c.2229C>T on transcript NM_001080467.3 (MANE Select); coding-DNA position 2229, C replaced by T.
Protein change: p.Arg743=; no amino-acid change (arginine 743 retained).
Molecular consequence: synonymous variant.
Genome position (GRCh38, 1-based): chr18:49,906,604, G>A on the plus strand (C>T on the coding strand, the complement: MYO5B is on the minus strand). VCF-style: chr18-49906604-G-A. GRCh37 (hg19) VCF-style: chr18-47432974-G-A.
Identifiers: ClinVar variation 3051726 (VCV003051726.2), dbSNP rs767756611, ClinGen allele CA503852864.

ClinVar aggregate classification (germline): Likely benign (0 of 4 stars; one submission).

Conditions:
MYO5B-related disorder. Also called: MYO5B-related condition.

Submission:

PreventionGenetics, part of Exact Sciences
Classification: Likely benign for MYO5B-related condition. Last evaluated: 2022-08-16. Review status: no assertion criteria provided. Collection method: clinical testing. Allele origin: germline.
Comment: This variant is classified as likely benign based on ACMG/AMP sequence variant interpretation guidelines (Richards et al. 2015 PMID: 25741868, with internal and published modifications).